The following is an entry in ClinVar:

ClinVar aggregate classification (germline): Uncertain significance (1 of 4 stars; one submission).

gnomAD v4.1: 3 of 1,611,720 alleles (0.00019%); highest among the groups gnomAD compares: Non-Finnish European, 0.00025%; no homozygotes.

Submission:

Labcorp Genetics (formerly Invitae), Labcorp
Classification: Uncertain significance. Last evaluated: 2025-11-23. Review status: criteria provided, single submitter. Criteria: Invitae Variant Classification Sherloc (09022015). Collection method: clinical testing. Allele origin: germline.
Comment: This sequence change replaces proline, which is neutral and non-polar, with leucine, which is neutral and non-polar, at codon 499 of the ZNF408 protein (p.Pro499Leu). This variant is present in population databases (rs771251935, gnomAD 0.0009%). This missense change has been observed in individual(s) with familial exudative vitreoretinopathy (PMID: 30452590). ClinVar contains an entry for this variant (Variation ID: 3709103). An algorithm developed to predict the effect of missense changes on protein structure and function outputs the following: PolyPhen-2: "Probably Damaging". The leucine amino acid residue is found in multiple mammalian species, which suggests that this missense change does not adversely affect protein function. In summary, the available evidence is currently insufficient to determine the role of this variant in disease. Therefore, it has been classified as a Variant of Uncertain Significance.

Literature cited by the submitters: PubMed 30452590.

NM_024741.3(ZNF408):c.1496C>T (p.Pro499Leu)

Gene: ZNF408 (zinc finger protein 408; plus strand). Cytogenetic location: 11p11.2.
Variant type: single nucleotide variant.
Coding change: c.1496C>T on transcript NM_024741.3 (MANE Select); coding-DNA position 1496, C replaced by T.
Protein change: p.Pro499Leu; replaces proline 499 with leucine.
Molecular consequence: missense variant.
Genome position (GRCh38, 1-based): chr11:46,705,196, C>T. VCF-style: chr11-46705196-C-T. GRCh37 (hg19) VCF-style: chr11-46726746-C-T.
Other names: c.1472C>T, p.Pro491Leu (NM_001184751.2); short protein forms P491L, P499L.
Identifiers: ClinVar variation 3709103 (VCV003709103.2).